The following is an entry in ClinVar:

ClinVar aggregate classification (germline): Uncertain significance (1 of 4 stars; one submission).

Submission:

Women's Health and Genetics/Laboratory Corporation of America, LabCorp
Classification: Uncertain significance. Last evaluated: 2025-01-29. Review status: criteria provided, single submitter. Criteria: LabCorp Variant Classification Summary - May 2015. Collection method: clinical testing. Allele origin: germline.
Comment: Variant summary: TTN c.31742-2003_31742-1564del440 is located at a position not widely known to affect splicing. This variant corresponds to c.38207-10_38381-10del440 (deletion of exons 192-193) in NM_001267550. This Copy Number Variant (CNV) is predicted to result in an in-frame deletion within this gene. Similar copy number variants were absent in 17436 control chromosomes. The available data on variant occurrences in the general population are insufficient to allow any conclusion about variant significance. To our knowledge, no occurrence of similar deletions in individuals affected with TTN-related conditions and no experimental evidence demonstrating its impact on protein function have been reported. Further, there is currently no applicable indirect evidence at these exons. The PSI (percent spliced in, 1= complete expression) of the deleted exons is 0.245 skeletal muscle, 0.274 cardiac muscle (exon 192) and 0.130 skeletal muscle, 0.003 cardiac muscle (exon 193) suggesting they are unlikely to be important for TTN-related DCM. However if non-NMD variants are subsequently discovered to be pathogenic for loss of function established conditions in these exons, they could be considered for indirect evidence for recessive TTNopathies. ClinVar contains an entry for this variant (Variation ID: 1705241). Based on the evidence outlined above, the variant was classified as uncertain significance.

NM_001267550.2(TTN):c.38207-10_38381-10del

Gene: TTN (titin; minus strand). Cytogenetic location: 2q31.2.
Variant type: Deletion.
Coding change: c.38207-10_38381-10del on transcript NM_001267550.2 (MANE Select); 10 bases into the intron before coding-DNA position 38207 through 10 bases into the intron before coding-DNA position 38381, 440 bases deleted.
Molecular consequence: splice acceptor variant, splice donor variant. On other transcripts: intron variant (6).
Genome position (GRCh38, 1-based): chr2:178,654,105-178,654,544, 440 bases deleted. GRCh37 (hg19): chr2:179,518,832-179,519,271.
Other names: c.13283-12227_13283-11788del (NM_003319.4); c.13859-12227_13859-11788del (NM_133437.4); c.13658-12227_13658-11788del (NM_133432.3); c.31742-2003_31742-1564del (NM_133378.4); c.34523-2003_34523-1564del (NM_001256850.1); c.31742-2003_31742-1564del440 (NM_133378.4).
Identifiers: ClinVar variation 1705241 (VCV001705241.3), dbSNP rs2472544009, ClinGen allele CA2580065104.